The following is an entry in ClinVar:

ClinVar aggregate classification (germline): Uncertain significance. Review status: criteria provided, multiple submitters, no conflicts (2 of 4 stars). 2 submissions from 2 submitters: Uncertain significance (2). Last evaluated 2023-09-29.

Conditions:
Familial adenomatous polyposis 1 (FAP1). Also called: POLYPOSIS, ADENOMATOUS INTESTINAL; FAMILIAL ADENOMATOUS POLYPOSIS 1, ATTENUATED. Identifiers: MedGen C2713442, MONDO:0021056, OMIM 175100. Disease mechanism: loss of function.

Submissions (2):

Baylor Genetics
Classification: Uncertain significance for Familial adenomatous polyposis 1. Last evaluated: 2023-09-29. Review status: criteria provided, single submitter. Criteria: ACMG Guidelines, 2015. Collection method: clinical testing. Allele origin: unknown.

Labcorp Genetics (formerly Invitae), Labcorp
Classification: Uncertain significance for Familial adenomatous polyposis 1. Last evaluated: 2021-08-09. Review status: criteria provided, single submitter. Criteria: Invitae Variant Classification Sherloc (09022015). Collection method: clinical testing. Allele origin: germline.
Comment: In summary, the available evidence is currently insufficient to determine the role of this variant in disease. Therefore, it has been classified as a Variant of Uncertain Significance. Algorithms developed to predict the effect of missense changes on protein structure and function are either unavailable or do not agree on the potential impact of this missense change (SIFT: "Deleterious"; PolyPhen-2: "Possibly Damaging"; Align-GVGD: "Class C0"). This variant has not been reported in the literature in individuals affected with APC-related conditions. This variant is not present in population databases (ExAC no frequency). This sequence change replaces glutamic acid with glycine at codon 211 of the APC protein (p.Glu211Gly). The glutamic acid residue is highly conserved and there is a moderate physicochemical difference between glutamic acid and glycine.

NM_000038.6(APC):c.632A>G (p.Glu211Gly)

Gene: APC (APC regulator of Wnt signaling pathway; plus strand). Cytogenetic location: 5q22.2.
Variant type: single nucleotide variant.
Coding change: c.632A>G on transcript NM_000038.6 (MANE Select); coding-DNA position 632, A replaced by G.
Protein change: p.Glu211Gly; replaces glutamic acid 211 with glycine.
Molecular consequence: missense variant. On other transcripts: 5 prime UTR variant (1).
Genome position (GRCh38, 1-based): chr5:112,780,890, A>G. VCF-style: chr5-112780890-A-G. GRCh37 (hg19) VCF-style: chr5-112116587-A-G.
Other names: c.632A>G, p.Glu211Gly (NM_001127510.3, NM_001354895.2, NM_001354896.2 and 2 more transcripts); c.662A>G, p.Glu221Gly (NM_001127511.3, NM_001354897.2, NM_001354902.2); c.557A>G, p.Glu186Gly (NM_001354898.2, NM_001354904.2); c.455A>G, p.Glu152Gly (NM_001354900.2, NM_001354901.2, NM_001354905.2); c.-404A>G (NM_001354906.2); short protein forms E152G, E221G, E186G, E211G.
Identifiers: ClinVar variation 1384211 (VCV001384211.7), dbSNP rs2149641000, ClinGen allele CA16022723.